The following is an entry in ClinVar:

NM_024685.4(BBS10):c.1559T>C (p.Val520Ala)

Gene: BBS10 (Bardet-Biedl syndrome 10; minus strand). Cytogenetic location: 12q21.2.
Variant type: single nucleotide variant.
Coding change: c.1559T>C on transcript NM_024685.4 (MANE Select); coding-DNA position 1559, T replaced by C.
Protein change: p.Val520Ala; replaces valine 520 with alanine.
Molecular consequence: missense variant.
Genome position (GRCh38, 1-based): chr12:76,346,426, A>G on the plus strand (T>C on the coding strand, the complement: BBS10 is on the minus strand). VCF-style: chr12-76346426-A-G. GRCh37 (hg19) VCF-style: chr12-76740206-A-G.
Other names: short protein forms V520A.
Identifiers: ClinVar variation 5000772 (VCV005000772.1).

ClinVar aggregate classification (germline): Uncertain significance (1 of 4 stars; one submission).

Conditions:
BBS10-related disorder. Also called: BBS10-related condition.

Submission:

PreventionGenetics, part of Exact Sciences
Classification: Uncertain significance for BBS10-related condition. Last evaluated: 2026-07-19. Review status: criteria provided, single submitter. Criteria: ACMG Guidelines, 2015. Collection method: clinical testing. Allele origin: germline.
Comment: The BBS10 c.1559T>C variant is predicted to result in the amino acid substitution p.Val520Ala. To our knowledge, this variant has not been reported in the literature or in a large population database (gnomAD), indicating this variant is rare. At this time, the clinical significance of this variant is uncertain due to the absence of conclusive functional and genetic evidence.